The following is an entry in ClinVar:

ClinVar aggregate classification (germline): Uncertain significance (1 of 4 stars; one submission).

Conditions:
Anauxetic dysplasia. Identifiers: Orphanet 93347, MedGen C1846796, MONDO:0011773.

Allele frequency attached by ClinVar (database versions not stated): gnomAD exomes below 0.00001; gnomAD 0.00001.
gnomAD v4.1: 2 of 697,036 alleles (0.00029%); highest among the groups gnomAD compares: East Asian, 0.0027%; no homozygotes.

Submission:

Labcorp Genetics (formerly Invitae), Labcorp
Classification: Uncertain significance for Anauxetic dysplasia. Last evaluated: 2020-06-26. Review status: criteria provided, single submitter. Criteria: Invitae Variant Classification Sherloc (09022015). Collection method: clinical testing. Allele origin: germline.
Comment: This variant occurs in the RMRP gene, which encodes an RNA molecule that does not result in a protein product. The frequency data for this variant in the population databases is considered unreliable, as metrics indicate insufficient coverage at this position in the ExAC database. This variant has not been reported in the literature in individuals with RMRP-related conditions. Experimental studies and prediction algorithms are not available for this variant, and the functional significance of this non-coding change is currently unknown. In summary, the available evidence is currently insufficient to determine the role of this variant in disease. Therefore, it has been classified as a Variant of Uncertain Significance.

NC_000009.12:g.35657781T>C

Gene: RMRP (RNA component of mitochondrial RNA processing endoribonuclease; minus strand). Cytogenetic location: 9p13.3.
Variant type: single nucleotide variant.
Genome position: GRCh38 VCF-style: chr9-35657781-T-C. GRCh37 (hg19) VCF-style: chr9-35657778-T-C.
Identifiers: ClinVar variation 1056559 (VCV001056559.2), dbSNP rs2131807964, ClinGen allele CA464450326.
Genomic context (GRCh38, chr9:35,657,781, plus strand): 5'-TGCAGTGAGCCGTGGTCTCGGGAACAAAAAACAGCCGCGCTGAGAATGAGCCCCGTGTGG[T>C]TGGTGCGCGGACACGCACTGCCTGCGTAACTAGAGGGAGCTGACGGATGACGCCCCCGCG-3'